The following is an entry in ClinVar:

NM_001430.5(EPAS1):c.218-11C>T

Gene: EPAS1 (endothelial PAS domain protein 1; plus strand). Cytogenetic location: 2p21.
Variant type: single nucleotide variant.
Coding change: c.218-11C>T on transcript NM_001430.5 (MANE Select); 11 bases into the intron before coding-DNA position 218, C replaced by T.
Molecular consequence: intron variant.
Genome position (GRCh38, 1-based): chr2:46,356,140, C>T. VCF-style: chr2-46356140-C-T. GRCh37 (hg19) VCF-style: chr2-46583279-C-T.
Identifiers: ClinVar variation 336242 (VCV000336242.7), dbSNP rs75591953, ClinGen allele CA1644554.
Genomic context (GRCh38, chr2:46,356,140, plus strand): 5'-CCTATCTGTGCCAGTCCCATCTGTTTTCACTCCACATTCATGCAAGCTGTCCCACCCCCC[C>T]CCCTTTCCAGTTTGCTCTGAAAACGAGTCCGAAGCCGAAGCTGACCAGCAGATGGACAAC-3'

ClinVar aggregate classification (germline): Benign. Review status: criteria provided, multiple submitters, no conflicts (2 of 4 stars). 3 submissions from 3 submitters: Benign (3). Last evaluated 2018-06-22.

Conditions:
Erythrocytosis, familial, 4 (ECYT4). Identifiers: Orphanet 247511, MedGen C2673187, MONDO:0012729, OMIM 611783.

Allele frequency attached by ClinVar (database versions not stated): TOPMed 0.46092; 1000 Genomes Project 0.05950.

Submissions (3):

GeneDx
Classification: Benign. Last evaluated: 2018-06-22. Review status: criteria provided, single submitter. Criteria: GeneDx Variant Classification Process June 2021. Collection method: clinical testing. Allele origin: germline. Affected: yes.

Illumina Laboratory Services, Illumina
Classification: Benign for Erythrocytosis, familial, 4. Last evaluated: 2018-01-13. Review status: criteria provided, single submitter. Criteria: ICSL Variant Classification Criteria 13 December 2019. Collection method: clinical testing. Allele origin: germline.
Comment: This variant was observed in the ICSL laboratory as part of a predisposition screen in an ostensibly healthy population. It had not been previously curated by ICSL or reported in the Human Gene Mutation Database (HGMD: prior to June 1st, 2018), and was therefore a candidate for classification through an automated scoring system. Utilizing variant allele frequency, disease prevalence and penetrance estimates, and inheritance mode, an automated score was calculated to assess if this variant is too frequent to cause the disease. Based on the score and internal cut-off values, a variant classified as benign is not then subjected to further curation. The score for this variant resulted in a classification of benign for this disease.

Breakthrough Genomics
Classification: Benign. Review status: criteria provided, single submitter. Criteria: ACMG Guidelines, 2015. Collection method: not provided. Allele origin: germline. Inheritance: Autosomal dominant inheritance. Affected: yes.